The following is an entry in ClinVar:

NM_001875.5(CPS1):c.1638C>A (p.Asp546Glu)

Gene: CPS1 (carbamoyl-phosphate synthase 1; plus strand). Cytogenetic location: 2q34.
Variant type: single nucleotide variant.
Coding change: c.1638C>A on transcript NM_001875.5 (MANE Select); coding-DNA position 1638, C replaced by A.
Protein change: p.Asp546Glu; replaces aspartic acid 546 with glutamic acid.
Molecular consequence: missense variant. On other transcripts: non-coding transcript variant (2).
Genome position (GRCh38, 1-based): chr2:210,600,643, C>A. VCF-style: chr2-210600643-C-A. GRCh37 (hg19) VCF-style: chr2-211465367-C-A.
Other names: c.1638C>A, p.Asp546Glu (NM_001122633.3, NM_001369257.1); c.1671C>A, p.Asp557Glu (NM_001369256.1); short protein forms D546E, D557E.
Identifiers: ClinVar variation 1424958 (VCV001424958.3), dbSNP rs1326614424, ClinGen allele CA350436809.

ClinVar aggregate classification (germline): Uncertain significance (1 of 4 stars; one submission).

Conditions:
Congenital hyperammonemia, type I. Also called: Carbamoyl-phosphate synthase I deficiency; CPS I DEFICIENCY; Carbamoyl phosphate synthetase 1 deficiency; Hyperammonemia due to carbamoyl phosphate synthetase 1 deficiency; CPS 1 deficiency; Carbamyl phosphate synthetase (CPS) deficiency. Identifiers: Orphanet 147, MedGen C4082171, MONDO:0009376, OMIM 237300.

Allele frequency attached by ClinVar (database versions not stated): gnomAD exomes below 0.00001; gnomAD 0.00001; TOPMed 0.00001.
gnomAD v4.1: 2 of 1,612,126 alleles (0.00012%); highest among the groups gnomAD compares: Non-Finnish European, 0.00017%; no homozygotes.

Submission:

Labcorp Genetics (formerly Invitae), Labcorp
Classification: Uncertain significance for Congenital hyperammonemia, type I. Last evaluated: 2021-10-16. Review status: criteria provided, single submitter. Criteria: Invitae Variant Classification Sherloc (09022015). Collection method: clinical testing. Allele origin: germline.
Comment: This sequence change replaces aspartic acid with glutamic acid at codon 546 of the CPS1 protein (p.Asp546Glu). The aspartic acid residue is highly conserved and there is a small physicochemical difference between aspartic acid and glutamic acid. This variant is not present in population databases (ExAC no frequency). This variant has not been reported in the literature in individuals with CPS1-related conditions. Algorithms developed to predict the effect of missense changes on protein structure and function are either unavailable or do not agree on the potential impact of this missense change (SIFT: "Deleterious"; PolyPhen-2: "Possibly Damaging"; Align-GVGD: "Class C0"). In summary, the available evidence is currently insufficient to determine the role of this variant in disease. Therefore, it has been classified as a Variant of Uncertain Significance.